The following is an entry in ClinVar:

ClinVar aggregate classification (germline): Likely pathogenic. Review status: criteria provided, multiple submitters, no conflicts (2 of 4 stars). 2 submissions from 2 submitters: Likely pathogenic (2). Last evaluated 2021-05-18.

Conditions:
Dilated cardiomyopathy 1G (CMD1G). Identifiers: Orphanet 154, MedGen C1858763, MONDO:0011400, OMIM 604145.
Autosomal recessive limb-girdle muscular dystrophy type 2J (LGMDR10). Also called: Limb-girdle muscular dystrophy, type 2J; MUSCULAR DYSTROPHY, LIMB-GIRDLE, AUTOSOMAL RECESSIVE 10. Identifiers: Orphanet 140922, MedGen C1837342, MONDO:0012127, OMIM 608807.
Primary dilated cardiomyopathy (DCM). Also called: Dilated Cardiomyopathy. Identifiers: Orphanet 217604, MedGen C0007193, MeSH D002311, MONDO:0005021, HP:0001644. Inheritance: Various modes of inheritance.

Submissions (2):

Labcorp Genetics (formerly Invitae), Labcorp
Classification: Likely pathogenic for Dilated cardiomyopathy 1G; Autosomal recessive limb-girdle muscular dystrophy type 2J. Last evaluated: 2021-05-18. Review status: criteria provided, single submitter. Criteria: Invitae Variant Classification Sherloc (09022015). Collection method: clinical testing. Allele origin: germline.
Comment: In summary, the currently available evidence indicates that the variant is pathogenic, but additional data are needed to prove that conclusively. Therefore, this variant has been classified as Likely Pathogenic. This variant is located in the A band of TTN (PMID: 25589632). Truncating variants in this region are significantly overrepresented in patients affected with dilated cardiomyopathy (PMID: 25589632). Truncating variants in this region have also been reported in individuals affected with autosomal recessive centronuclear myopathy (PMID: 23975875). This variant has not been reported in the literature in individuals with TTN-related conditions. ClinVar contains an entry for this variant (Variation ID: 517403). This variant is not present in population databases (ExAC no frequency). This sequence change creates a premature translational stop signal (p.Ala24463Profs*8) in the TTN gene. While this is not anticipated to result in nonsense mediated decay, it is expected to create a truncated TTN protein.

Laboratory for Molecular Medicine, Mass General Brigham Personalized Medicine
Classification: Likely pathogenic for Primary dilated cardiomyopathy. Last evaluated: 2017-05-31. Review status: criteria provided, single submitter. Criteria: LMM Criteria. Collection method: clinical testing. Allele origin: germline. Inheritance: Autosomal dominant inheritance. Observed: 1 variant allele.
Comment: The p.Ala21895fs variant in TTN has not been previously reported in individuals with DCM or large population studies. This variant is predicted to cause a frame shift, which alters the protein?s amino acid sequence beginning at position 2189 5 and leads to a premature termination codon 8 amino acids downstream. This alte ration is then predicted to lead to a truncated or absent protein. Frameshift an d other truncating variants in TTN are strongly associated with DCM if they impa ct the exons encoding for the A-band (Herman 2012, Pugh 2014) and/or are located in an exon that is highly expressed in the heart (Roberts 2015). The p.Ala21895 fs variant is located in the A-band in the highly expressed exon 275. In summary , although additional studies are required to fully establish its clinical signi ficance, the p.Ala21895fs variant is likely pathogenic.

Literature cited by the submitters: PubMed 25589632 (cited by Labcorp Genetics (formerly Invitae), Labcorp); PubMed 23975875 (cited by Labcorp Genetics (formerly Invitae), Labcorp).

NM_001267550.2(TTN):c.73387del (p.Ala24463fs)

Genes: TTN (titin; minus strand), TTN-AS1 (TTN antisense RNA 1; plus strand). Cytogenetic location: 2q31.2.
Variant type: Deletion.
Coding change: c.73387del on transcript NM_001267550.2 (MANE Select); coding-DNA position 73387, one base deleted (G; older notation c.73387delG).
Protein change: p.Ala24463fs; shifts the reading frame from alanine 24463.
Molecular consequence: frameshift variant.
Genome position (GRCh38, 1-based): chr2:178,572,745, C deleted on the plus strand (G on the coding strand, the reverse complement: TTN is on the minus strand); the first of 3 consecutive C bases (chr2:178,572,745-178,572,747); deleting any one gives the same sequence. VCF-style (leftmost placement, unchanged base first): chr2-178572744-GC-G. GRCh37 (hg19) VCF-style: chr2-179437471-GC-G.
Other names: c.68464del, p.Ala22822fs (NM_001256850.1); c.46192del, p.Ala15398fs (NM_003319.4); c.65683del, p.Ala21895fs (NM_133378.4); c.46567del, p.Ala15523fs (NM_133432.3); c.46768del, p.Ala15590fs (NM_133437.4); c.65683delG (NM_133378.4); short protein forms A15590fs, A22822fs, A24463fs, A15398fs, A21895fs, A15523fs.
Identifiers: ClinVar variation 517403 (VCV000517403.13), dbSNP rs1553607425, ClinGen allele CA658796034.
Genomic context (GRCh38, chr2:178,572,744, plus strand): 5'-AGGGTGTAAGAGCTTGTGGATTCGATGCTAGCTTTATCTAAAGATTCTCCATGGTCCCGG[GC>G]CCACTTCACCTCAGGTGCAGGCCTTCCTTTGATGGGAACAAAAAGTCTCAGGGTGCAGCA-3'